The following is an entry in ClinVar:

ClinVar aggregate classification (germline): Uncertain significance. Review status: criteria provided, multiple submitters, no conflicts (2 of 4 stars). 2 submissions from 2 submitters: Uncertain significance (2). Last evaluated 2024-11-21.

Conditions:
Danon disease. Also called: PSEUDOGLYCOGENOSIS II; Glycogen Storage Disease Type IIb; ANTOPOL DISEASE; GSD IIb; LYSOSOMAL GLYCOGEN STORAGE DISEASE WITHOUT ACID MALTASE DEFICIENCY. Identifiers: Orphanet 34587, MedGen C0878677, MONDO:0010281, OMIM 300257.
Cardiovascular phenotype. Identifiers: MedGen CN230736.

Allele frequency attached by ClinVar (database versions not stated): gnomAD 0.00002; gnomAD exomes 0.00002; TOPMed 0.00002.

Submissions (2):

Labcorp Genetics (formerly Invitae), Labcorp
Classification: Uncertain significance for Danon disease. Last evaluated: 2024-11-21. Review status: criteria provided, single submitter. Criteria: Invitae Variant Classification Sherloc (09022015). Collection method: clinical testing. Allele origin: germline.
Comment: This sequence change replaces glycine, which is neutral and non-polar, with valine, which is neutral and non-polar, at codon 95 of the LAMP2 protein (p.Gly95Val). This variant is present in population databases (rs755790073, gnomAD 0.008%). This variant has not been reported in the literature in individuals affected with LAMP2-related conditions. ClinVar contains an entry for this variant (Variation ID: 1414124). Invitae Evidence Modeling of protein sequence and biophysical properties (such as structural, functional, and spatial information, amino acid conservation, physicochemical variation, residue mobility, and thermodynamic stability) indicates that this missense variant is expected to disrupt LAMP2 protein function with a positive predictive value of 80%. In summary, the available evidence is currently insufficient to determine the role of this variant in disease. Therefore, it has been classified as a Variant of Uncertain Significance.

Ambry Genetics
Classification: Uncertain significance for Cardiovascular phenotype. Last evaluated: 2022-01-31. Review status: criteria provided, single submitter. Criteria: Ambry Variant Classification Scheme 2023. Collection method: clinical testing. Allele origin: germline.
Comment: The p.G95V variant (also known as c.284G>T), located in coding exon 3 of the LAMP2 gene, results from a G to T substitution at nucleotide position 284. The glycine at codon 95 is replaced by valine, an amino acid with dissimilar properties. Based on data from gnomAD, the T allele has an overall frequency of 0.0016% (3/183477) total alleles studied, with 0 hemizygotes observed. The highest observed frequency was 0.0076% (1/13161) of African/ African American alleles. This amino acid position is not well conserved in available vertebrate species. In addition, this alteration is predicted to be tolerated by in silico analysis. Since supporting evidence is limited at this time, the clinical significance of this alteration remains unclear.

NM_002294.3(LAMP2):c.284G>T (p.Gly95Val)

Gene: LAMP2 (lysosome associated membrane protein 2; minus strand). Cytogenetic location: Xq24.
Variant type: single nucleotide variant.
Coding change: c.284G>T on transcript NM_002294.3 (MANE Select); coding-DNA position 284, G replaced by T.
Protein change: p.Gly95Val; replaces glycine 95 with valine.
Molecular consequence: missense variant.
Genome position (GRCh38, 1-based): chrX:120,455,470, C>A on the plus strand (G>T on the coding strand, the complement: LAMP2 is on the minus strand). VCF-style: chrX-120455470-C-A. GRCh37 (hg19) VCF-style: chrX-119589325-C-A.
Other names: c.284G>T, p.Gly95Val (NM_001122606.1, NM_013995.2); short protein forms G95V.
Identifiers: ClinVar variation 1414124 (VCV001414124.10), dbSNP rs755790073, ClinGen allele CA10505324.
Genomic context (GRCh38, chrX:120,455,470, plus strand): 5'-GAGACGCTGTCAATTGAATAAGTAGATGCTGCCTTGGTAAAATTCGCAATCCAGGAAAAG[C>A]CAGGTCCGAACTGCACTGCTATTTTGGGACCATTCTGATCATCCCCACAAATGCTTCCAT-3'
Protein context (NP_002285.1, residues 85-105): GPKIAVQFGP[Gly95Val]FSWIANFTKA